The following is an entry in ClinVar:

NM_014140.4(SMARCAL1):c.1051C>T (p.Gln351Ter)

Gene: SMARCAL1 (SNF2 related chromatin remodeling annealing helicase 1; plus strand). Cytogenetic location: 2q35.
Variant type: single nucleotide variant.
Coding change: c.1051C>T on transcript NM_014140.4 (MANE Select); coding-DNA position 1051, C replaced by T.
Protein change: p.Gln351Ter; replaces glutamine 351 with a stop codon.
Molecular consequence: nonsense.
Genome position (GRCh38, 1-based): chr2:216,420,487, C>T. VCF-style: chr2-216420487-C-T. GRCh37 (hg19) VCF-style: chr2-217285210-C-T.
Other names: c.1051C>T, p.Gln351Ter (NM_001127207.2); short protein forms Q351*.
Identifiers: ClinVar variation 2743129 (VCV002743129.5), dbSNP rs2469621143, ClinGen allele CA350498650.

ClinVar aggregate classification (germline): Pathogenic/Likely pathogenic. Review status: criteria provided, multiple submitters, no conflicts (2 of 4 stars). 3 submissions from 3 submitters: Pathogenic (1); Likely pathogenic (2). Last evaluated 2024-09-09.

Conditions:
Schimke immuno-osseous dysplasia (SIOD). Also called: Schimke Immunoosseous Dysplasia. Identifiers: Orphanet 1830, MedGen C0877024, MONDO:0009458, OMIM 242900.

Allele frequency attached by ClinVar (database versions not stated): gnomAD exomes below 0.00001.
gnomAD v4.1: 1 of 1,614,234 alleles (0.000062%); highest among the groups gnomAD compares: South Asian, 0.0011%; no homozygotes.

Submissions (3):

Natera, Inc.
Classification: Likely pathogenic for Schimke immuno-osseous dysplasia. Last evaluated: 2024-09-09. Review status: criteria provided, single submitter. Criteria: Natera Variant Classification Schema (03/2026). Collection method: clinical testing. Allele origin: germline.
Comment: The c.1051C>T variant in SMARCAL1 is a nonsense variant predicted to introduce a stop codon at amino acid 351. This variant is expected to result in nonsense mediated decay, truncation, or a dysfunctional protein product. This variant is rare in the general population with a frequency below the threshold expected for the associated phenotype(s). Given the available evidence, this variant is classified as Likely Pathogenic.

Fulgent Genetics
Classification: Likely pathogenic for Schimke immuno-osseous dysplasia. Last evaluated: 2024-05-01. Review status: criteria provided, single submitter. Criteria: ACMG Guidelines, 2015. Collection method: clinical testing. Allele origin: germline.

Labcorp Genetics (formerly Invitae), Labcorp
Classification: Pathogenic for Schimke immuno-osseous dysplasia. Last evaluated: 2023-09-26. Review status: criteria provided, single submitter. Criteria: Invitae Variant Classification Sherloc (09022015). Collection method: clinical testing. Allele origin: germline.
Comment: For these reasons, this variant has been classified as Pathogenic. Algorithms developed to predict the effect of sequence changes on RNA splicing suggest that this variant may disrupt the consensus splice site. This variant has not been reported in the literature in individuals affected with SMARCAL1-related conditions. This variant is not present in population databases (gnomAD no frequency). This sequence change creates a premature translational stop signal (p.Gln351*) in the SMARCAL1 gene. It is expected to result in an absent or disrupted protein product. Loss-of-function variants in SMARCAL1 are known to be pathogenic (PMID: 11799392, 20301550).

Literature cited by the submitters: PubMed 11799392 (cited by Labcorp Genetics (formerly Invitae), Labcorp); PubMed 20301550 (cited by Labcorp Genetics (formerly Invitae), Labcorp).